The following is an entry in ClinVar:

NM_002971.6(SATB1):c.1924C>T (p.Arg642Ter)

Gene: SATB1 (SATB homeobox 1; minus strand). Cytogenetic location: 3p24.3.
Variant type: single nucleotide variant.
Coding change: c.1924C>T on transcript NM_002971.6 (MANE Select); coding-DNA position 1924, C replaced by T.
Protein change: p.Arg642Ter; replaces arginine 642 with a stop codon.
Molecular consequence: nonsense.
Genome position (GRCh38, 1-based): chr3:18,349,538, G>A on the plus strand (C>T on the coding strand, the complement: SATB1 is on the minus strand). VCF-style: chr3-18349538-G-A. GRCh37 (hg19) VCF-style: chr3-18391030-G-A.
Other names: c.1924C>T, p.Arg642Ter (NM_001131010.4, NM_001322872.2, NM_001322873.2 and 2 more transcripts); c.2020C>T, p.Arg674Ter (NM_001195470.3, NM_001322871.2); c.1708C>T, p.Arg570Ter (NM_001322876.2); c.2020C>T (NM_001195470.2); short protein forms R570*, R674*, R642*.
Identifiers: ClinVar variation 1439873 (VCV001439873.10), dbSNP rs752755275, ClinGen allele CA2281893.

ClinVar aggregate classification (germline): Pathogenic. Review status: criteria provided, multiple submitters, no conflicts (2 of 4 stars). 3 submissions from 3 submitters: Pathogenic (3). Last evaluated 2024-12-10.

Conditions:
Developmental delay with dysmorphic facies and dental anomalies. Identifiers: MedGen C5543197, MONDO:0030988, OMIM 619228.

Allele frequency attached by ClinVar (database versions not stated): gnomAD exomes below 0.00001; ExAC 0.00001.
gnomAD v4.1: 1 of 1,614,040 alleles (0.000062%); highest among the groups gnomAD compares: Non-Finnish European, 0.000085%; no homozygotes.

Submissions (3):

GeneDx
Classification: Pathogenic. Last evaluated: 2024-12-10. Review status: criteria provided, single submitter. Criteria: GeneDx Variant Classification Process June 2021. Collection method: clinical testing. Allele origin: germline. Affected: yes.
Comment: Not observed at significant frequency in large population cohorts (gnomAD); Nonsense variant predicted to result in protein truncation, as the last 122 amino acids are lost, and other loss-of-function variants have been reported downstream in HGMD; This variant is associated with the following publications: (PMID: 35872528, 34031799)

Labcorp Genetics (formerly Invitae), Labcorp
Classification: Pathogenic. Last evaluated: 2021-04-30. Review status: criteria provided, single submitter. Criteria: Invitae Variant Classification Sherloc (09022015). Collection method: clinical testing. Allele origin: germline.
Comment: For these reasons, this variant has been classified as Pathogenic. This variant has been observed in individual(s) with clinical features of SATB1-related conditions (Invitae). In at least one individual the variant was observed to be de novo. The frequency data for this variant in the population databases is considered unreliable, as metrics indicate poor data quality at this position in the ExAC database. This sequence change creates a premature translational stop signal (p.Arg674*) in the SATB1 gene. While this is not anticipated to result in nonsense mediated decay, it is expected to disrupt the last 122 amino acid(s) of the SATB1 protein.

Institute of Human Genetics Munich, TUM University Hospital
Classification: Pathogenic for Developmental delay with dysmorphic facies and dental anomalies. Last evaluated: 2021-02-01. Review status: criteria provided, single submitter. Criteria: Classification criteria August 2017. Collection method: clinical testing. Allele origin: de novo. Inheritance: Autosomal dominant inheritance. Affected: yes. Observed: 1 variant allele.